The following is an entry in ClinVar:

ClinVar aggregate classification (germline): Uncertain significance. Review status: criteria provided, multiple submitters, no conflicts (2 of 4 stars). 2 submissions from 2 submitters: Uncertain significance (2). Last evaluated 2025-10-23.

Conditions:
TUB-related disorder. Also called: TUB-related condition.

gnomAD v4.1: 2 of 1,614,098 alleles (0.00012%); highest among the groups gnomAD compares: Admixed American, 0.0017%; no homozygotes.

Submissions (2):

PreventionGenetics, part of Exact Sciences
Classification: Uncertain significance for TUB-related condition. Last evaluated: 2025-10-23. Review status: criteria provided, single submitter. Criteria: ACMG Guidelines, 2015. Collection method: clinical testing. Allele origin: germline.
Comment: The TUB c.1393C>G variant is predicted to result in the amino acid substitution p.Leu465Val. To our knowledge, this variant has not been reported in the literature. This variant is reported in 0.0029% of alleles in individuals of Latino descent in gnomAD. At this time, the clinical significance of this variant is uncertain due to the absence of conclusive functional and genetic evidence.

Ambry Genetics
Classification: Uncertain significance. Last evaluated: 2025-05-13. Review status: criteria provided, single submitter. Criteria: Ambry Variant Classification Scheme 2023. Collection method: clinical testing. Allele origin: germline.

NM_177972.3(TUB):c.1228C>G (p.Leu410Val)

Genes: RIC3 (RIC3 acetylcholine receptor chaperone; minus strand), TUB (TUB bipartite transcription factor; plus strand). Cytogenetic location: 11p15.4.
Variant type: single nucleotide variant.
Coding change: c.1228C>G on transcript NM_177972.3 (MANE Select); coding-DNA position 1228, C replaced by G.
Protein change: p.Leu410Val; replaces leucine 410 with valine.
Molecular consequence: missense variant.
Genome position (GRCh38, 1-based): chr11:8,100,838, C>G. VCF-style: chr11-8100838-C-G. GRCh37 (hg19) VCF-style: chr11-8122385-C-G.
Other names: c.1393C>G, p.Leu465Val (NM_003320.5); short protein forms L410V, L465V.
Identifiers: ClinVar variation 3975920 (VCV003975920.2).